The following is an entry in ClinVar:

ClinVar aggregate classification (germline): Uncertain significance (1 of 4 stars; one submission).

Allele frequency attached by ClinVar (database versions not stated): TOPMed below 0.00001; gnomAD 0.00001.
gnomAD v4.1: 1 of 1,613,768 alleles (0.000062%); highest among the groups gnomAD compares: Non-Finnish European, 0.000085%; no homozygotes.

Submission:

GeneDx
Classification: Uncertain significance. Last evaluated: 2022-07-29. Review status: criteria provided, single submitter. Criteria: GeneDx Variant Classification Process June 2021. Collection method: clinical testing. Allele origin: germline. Affected: yes.
Comment: Not observed at significant frequency in large population cohorts (gnomAD); In silico analysis supports that this missense variant does not alter protein structure/function; Has not been previously published as pathogenic or benign to our knowledge; In silico analysis suggests this variant may impact gene splicing; however, in the absence of RNA/functional studies, the actual effect of this sequence change is unknown; This variant is associated with the following publications: (PMID: 24636144)

NM_001267550.2(TTN):c.95335A>G (p.Ile31779Val)

Genes: TTN (titin; minus strand), TTN-AS1 (TTN antisense RNA 1; plus strand). Cytogenetic location: 2q31.2.
Variant type: single nucleotide variant.
Coding change: c.95335A>G on transcript NM_001267550.2 (MANE Select); coding-DNA position 95335, A replaced by G.
Protein change: p.Ile31779Val; replaces isoleucine 31779 with valine.
Molecular consequence: missense variant.
Genome position (GRCh38, 1-based): chr2:178,545,901, T>C on the plus strand (A>G on the coding strand, the complement: TTN is on the minus strand). VCF-style: chr2-178545901-T-C. GRCh37 (hg19) VCF-style: chr2-179410628-T-C.
Other names: c.90412A>G, p.Ile30138Val (NM_001256850.1); c.68140A>G, p.Ile22714Val (NM_003319.4); c.87631A>G, p.Ile29211Val (NM_133378.4); c.68515A>G, p.Ile22839Val (NM_133432.3); c.68716A>G, p.Ile22906Val (NM_133437.4); short protein forms I22714V, I22839V, I22906V, I29211V, I30138V, I31779V.
Identifiers: ClinVar variation 2413087 (VCV002413087.3), dbSNP rs886039071, ClinGen allele CA349462830.
Genomic context (GRCh38, chr2:178,545,901, plus strand): 5'-TTGGCTCTGATTCAACAGGCACACCAGGGCCATATTTGTTTACTGCCCTCACTCGGAATA[T>C]GTACTCATTGTTCTTGATGAGCCTGGTAACGACATAGGATAGGGTTGGGCATTCGCCTTC-3'
Protein context (NP_001254479.2, residues 31769-31789): VTRLIKNNEY[Ile31779Val]FRVRAVNKYG